The following is an entry in ClinVar:

ClinVar aggregate classification (germline): Uncertain significance (1 of 4 stars; one submission).

Submissions (2):

GeneDx
Classification: Uncertain significance. Last evaluated: 2017-10-06. Review status: criteria provided, single submitter. Criteria: GeneDx Variant Classification (06012015). Collection method: clinical testing. Allele origin: germline. Affected: yes.
Comment: The G29D variant has not been published as a pathogenic variant, nor has it been reported as a benign variant to our knowledge. The variant is not observed in large population cohorts (Lek et al., 2016). G29D is a non-conservative amino acid substitution, which is likely to impact secondary protein structure as these residues differ in polarity, charge, size and/or other properties. However, this substitution occurs at a position that is not conserved, and in silico analysis predicts this variant likely does not alter the protein structure/function. In summary, based on the currently available information, it is unclear whether this variant is a pathogenic variant or a rare benign variant.

Roden Lab, Vanderbilt University Medical Center
No classification provided (evidence only). Condition: Long QT syndrome 5. Review status: no classification provided. Collection method: in vitro. Allele origin: not applicable. Functional consequence: Effect on ion channel function. Not counted in ClinVar's aggregate classification.
ClinVar note: "not provided" was previously submitted as the classification for the variant. However, the classification appeared to be based only on an observation of functional data so it was converted to no classification on 2025-07-30.

NM_000219.6(KCNE1):c.86G>A (p.Gly29Asp)

Gene: KCNE1 (potassium voltage-gated channel subfamily E regulatory subunit 1; minus strand). Cytogenetic location: 21q22.12.
Variant type: single nucleotide variant.
Coding change: c.86G>A on transcript NM_000219.6 (MANE Select); coding-DNA position 86, G replaced by A.
Protein change: p.Gly29Asp; replaces glycine 29 with aspartic acid.
Molecular consequence: missense variant.
Genome position (GRCh38, 1-based): chr21:34,449,549, C>T on the plus strand (G>A on the coding strand, the complement: KCNE1 is on the minus strand). VCF-style: chr21-34449549-C-T. GRCh37 (hg19) VCF-style: chr21-35821847-C-T.
Other names: c.86G>A, p.Gly29Asp (NM_001127668.4, NM_001127669.4, NM_001127670.4 and 4 more transcripts); short protein forms G29D.
Identifiers: ClinVar variation 452360 (VCV000452360.4), dbSNP rs1555844239, ClinGen allele CA410198499.